The following is an entry in ClinVar:

ClinVar aggregate classification (germline): Pathogenic. Review status: criteria provided, multiple submitters, no conflicts (2 of 4 stars). 2 submissions from 2 submitters: Pathogenic (2). Last evaluated 2024-10-07.

Conditions:
Multiple congenital exostosis (EXT). Also called: Multiple osteochondromas; Hereditary multiple osteochondromas; MULTIPLE CARTILAGINOUS EXOSTOSES; Multiple exostoses; Hereditary multiple exostoses; Hereditary multiple exostosis. Identifiers: Orphanet 321, MedGen C0015306, MONDO:0005508, HP:0002762.
Inborn genetic diseases. Identifiers: MedGen C0950123, MeSH D030342.

Submissions (2):

Labcorp Genetics (formerly Invitae), Labcorp
Classification: Pathogenic for Multiple congenital exostosis. Last evaluated: 2024-10-07. Review status: criteria provided, single submitter. Criteria: Invitae Variant Classification Sherloc (09022015). Collection method: clinical testing. Allele origin: germline.
Comment: This sequence change creates a premature translational stop signal (p.Trp529*) in the EXT1 gene. It is expected to result in an absent or disrupted protein product. Loss-of-function variants in EXT1 are known to be pathogenic (PMID: 10679937, 11391482, 19810120). This variant is not present in population databases (gnomAD no frequency). This premature translational stop signal has been observed in individual(s) with multiple osteochondromas (PMID: 17041877). ClinVar contains an entry for this variant (Variation ID: 985903). For these reasons, this variant has been classified as Pathogenic.

Ambry Genetics
Classification: Pathogenic for Inborn genetic diseases. Last evaluated: 2017-08-31. Review status: criteria provided, single submitter. Criteria: Ambry exome assertion method (8-5-2015). Collection method: clinical testing. Allele origin: germline. Affected: yes. Observed: 1 variant allele.

Literature cited by the submitters: PubMed 10679937 (cited by Labcorp Genetics (formerly Invitae), Labcorp); PubMed 11391482 (cited by Labcorp Genetics (formerly Invitae), Labcorp); PubMed 19810120 (cited by Labcorp Genetics (formerly Invitae), Labcorp); PubMed 17041877 (cited by Labcorp Genetics (formerly Invitae), Labcorp).

NM_000127.3(EXT1):c.1587G>A (p.Trp529Ter)

Gene: EXT1 (exostosin glycosyltransferase 1; minus strand). Cytogenetic location: 8q24.11.
Variant type: single nucleotide variant.
Coding change: c.1587G>A on transcript NM_000127.3 (MANE Select); coding-DNA position 1587, G replaced by A.
Protein change: p.Trp529Ter; replaces tryptophan 529 with a stop codon.
Molecular consequence: nonsense.
Genome position (GRCh38, 1-based): chr8:117,818,480, C>T on the plus strand (G>A on the coding strand, the complement: EXT1 is on the minus strand). VCF-style: chr8-117818480-C-T. GRCh37 (hg19) VCF-style: chr8-118830719-C-T.
Other names: short protein forms W529*.
Identifiers: ClinVar variation 985903 (VCV000985903.5), dbSNP rs763608530, ClinGen allele CA371883206.